The following is an entry in ClinVar:

ClinVar aggregate classification (germline): Likely benign. Review status: criteria provided, multiple submitters, no conflicts (2 of 4 stars). 2 submissions from 2 submitters: Likely benign (2). Last evaluated 2026-03-18.

Conditions:
FUS-related disorder. Also called: FUS-related condition.
Amyotrophic lateral sclerosis type 6. Also called: FUS-Related Amyotrophic Laterial Sclerosis; AMYOTROPHIC LATERAL SCLEROSIS 6 WITHOUT FRONTOTEMPORAL DEMENTIA; Amyotrophic lateral sclerosis 6, with or without frontotemporal dementia. Identifiers: Orphanet 275872, Orphanet 803, MedGen C2931786, MONDO:0011951, OMIM 608030.
Tremor, hereditary essential, 4 (ETM4). Identifiers: MedGen C3539195, MONDO:0013888, OMIM 614782.

gnomAD v4.1: 10 of 1,614,088 alleles (0.00062%); highest among the groups gnomAD compares: African/African-American, 0.013%; no homozygotes.

Submissions (2):

PreventionGenetics, part of Exact Sciences
Classification: Likely benign for FUS-related condition. Last evaluated: 2026-03-18. Review status: criteria provided, single submitter. Criteria: ACMG Guidelines, 2015. Collection method: clinical testing. Allele origin: germline.
Comment: This variant is classified as likely benign based on ACMG/AMP sequence variant interpretation guidelines (Richards et al. 2015 PMID: 25741868, with internal and published modifications).

Labcorp Genetics (formerly Invitae), Labcorp
Classification: Likely benign for Tremor, hereditary essential, 4; Amyotrophic lateral sclerosis type 6. Last evaluated: 2024-12-24. Review status: criteria provided, single submitter. Criteria: Invitae Variant Classification Sherloc (09022015). Collection method: clinical testing. Allele origin: germline.

NM_004960.4(FUS):c.38+9T>A

Gene: FUS (FUS RNA binding protein; plus strand). Cytogenetic location: 16p11.2.
Variant type: single nucleotide variant.
Coding change: c.38+9T>A on transcript NM_004960.4 (MANE Select); 9 bases into the intron after coding-DNA position 38, T replaced by A.
Molecular consequence: intron variant.
Genome position (GRCh38, 1-based): chr16:31,182,431, T>A. VCF-style: chr16-31182431-T-A. GRCh37 (hg19) VCF-style: chr16-31193752-T-A.
Other names: c.38+9T>A (NM_004960.3, NM_001170937.1, NM_001170634.1).
Identifiers: ClinVar variation 3751553 (VCV003751553.3).
Genomic context (GRCh38, chr16:31,182,431, plus strand): 5'-TAATGTGATTGTATTTTTCTTTTGCAGATTATACCCAACAAGCAACCCAAAGGTGAGTGC[T>A]ATTTTTGGGCTTCCAGAGTTTGTAGAGGGCAAGGGTGGTCACGCCATGTTTTCTGATCAC-3'